The following is an entry in ClinVar:

NM_001903.5(CTNNA1):c.2281C>G (p.Arg761Gly)

Gene: CTNNA1 (catenin alpha 1; plus strand). Cytogenetic location: 5q31.2.
Variant type: single nucleotide variant.
Coding change: c.2281C>G on transcript NM_001903.5 (MANE Select); coding-DNA position 2281, C replaced by G.
Protein change: p.Arg761Gly; replaces arginine 761 with glycine.
Molecular consequence: missense variant.
Genome position (GRCh38, 1-based): chr5:138,930,918, C>G. VCF-style: chr5-138930918-C-G. GRCh37 (hg19) VCF-style: chr5-138266607-C-G.
Other names: c.2281C>G, p.Arg761Gly (NM_001290307.3, NM_001323982.2, NM_001323983.1 and 2 more transcripts); c.1972C>G, p.Arg658Gly (NM_001290309.3); c.1912C>G, p.Arg638Gly (NM_001290310.3); c.1171C>G, p.Arg391Gly (NM_001290312.1, NM_001323987.1, NM_001323998.1 and 17 more transcripts); c.2188C>G, p.Arg730Gly (NM_001323986.2); c.832C>G, p.Arg278Gly (NM_001324006.1, NM_001324007.1, NM_001324008.1 and 2 more transcripts); c.1078C>G, p.Arg360Gly (NM_001324011.1); c.928C>G, p.Arg310Gly (NM_001324012.1, NM_001324013.1); short protein forms R638G, R310G, R360G, R761G, R391G, R730G, R278G, R658G.
Identifiers: ClinVar variation 3653432 (VCV003653432.2).
Genomic context (GRCh38, chr5:138,930,918, plus strand): 5'-GATGTCATCAGTGCTGCCAAGAAAATTGCTGAGGCAGGATCCAGGATGGACAAGCTTGGC[C>G]GCACCATTGCAGACCATGTAAGTGACAGACTTGCCAGGTGGGTCTCCAAGCTCCTCCTGG-3'
Protein context (NP_001894.2, residues 751-771): EAGSRMDKLG[Arg761Gly]TIADHCPDSA

ClinVar aggregate classification (germline): Uncertain significance (1 of 4 stars; one submission).

gnomAD v4.1: 2 of 1,612,940 alleles (0.00012%); highest among the groups gnomAD compares: Non-Finnish European, 0.00017%; no homozygotes.

Submission:

Labcorp Genetics (formerly Invitae), Labcorp
Classification: Uncertain significance. Last evaluated: 2024-05-15. Review status: criteria provided, single submitter. Criteria: Invitae Variant Classification Sherloc (09022015). Collection method: clinical testing. Allele origin: germline.
Comment: This sequence change replaces arginine, which is basic and polar, with glycine, which is neutral and non-polar, at codon 761 of the CTNNA1 protein (p.Arg761Gly). This variant is not present in population databases (gnomAD no frequency). This variant has not been reported in the literature in individuals affected with CTNNA1-related conditions. Advanced modeling of protein sequence and biophysical properties (such as structural, functional, and spatial information, amino acid conservation, physicochemical variation, residue mobility, and thermodynamic stability) performed at Invitae indicates that this missense variant is not expected to disrupt CTNNA1 protein function with a negative predictive value of 80%. In summary, the available evidence is currently insufficient to determine the role of this variant in disease. Therefore, it has been classified as a Variant of Uncertain Significance.